The following is an entry in ClinVar:

ClinVar aggregate classification (germline): Uncertain significance. Review status: criteria provided, multiple submitters, no conflicts (2 of 4 stars). 2 submissions from 2 submitters: Uncertain significance (2). Last evaluated 2025-06-25.

Conditions:
RASopathy. Also called: rasopathies; Noonan spectrum disorder. Identifiers: Orphanet 536391, MedGen C5555857, MONDO:0021060.

Submissions (2):

GeneDx
Classification: Uncertain significance. Last evaluated: 2025-06-25. Review status: criteria provided, single submitter. Criteria: GeneDx Variant Classification Process June 2021. Collection method: clinical testing. Allele origin: germline. Affected: yes.
Comment: Not observed at significant frequency in large population cohorts (gnomAD); Missense variants in this gene are a common cause of disease and they are underrepresented in the general population; In silico analysis supports that this missense variant has a deleterious effect on protein structure/function; Has not been previously published as pathogenic or benign to our knowledge; This variant is associated with the following publications: (PMID: 29493581)

Labcorp Genetics (formerly Invitae), Labcorp
Classification: Uncertain significance for RASopathy. Last evaluated: 2024-08-15. Review status: criteria provided, single submitter. Criteria: Invitae Variant Classification Sherloc (09022015). Collection method: clinical testing. Allele origin: germline.
Comment: This sequence change replaces glutamine, which is neutral and polar, with lysine, which is basic and polar, at codon 556 of the RAF1 protein (p.Gln556Lys). This variant is not present in population databases (gnomAD no frequency). This variant has not been reported in the literature in individuals affected with RAF1-related conditions. An algorithm developed to predict the effect of missense changes on protein structure and function (PolyPhen-2) suggests that this variant is likely to be disruptive. In summary, the available evidence is currently insufficient to determine the role of this variant in disease. Therefore, it has been classified as a Variant of Uncertain Significance.

NM_002880.4(RAF1):c.1666C>A (p.Gln556Lys)

Gene: RAF1 (Raf-1 proto-oncogene, serine/threonine kinase; minus strand). Cytogenetic location: 3p25.2.
Variant type: single nucleotide variant.
Coding change: c.1666C>A on transcript NM_002880.4 (MANE Select); coding-DNA position 1666, C replaced by A.
Protein change: p.Gln556Lys; replaces glutamine 556 with lysine.
Molecular consequence: missense variant. On other transcripts: non-coding transcript variant (3).
Genome position (GRCh38, 1-based): chr3:12,585,124, G>T on the plus strand (C>A on the coding strand, the complement: RAF1 is on the minus strand). VCF-style: chr3-12585124-G-T. GRCh37 (hg19) VCF-style: chr3-12626623-G-T.
Other names: c.1726C>A, p.Gln576Lys (NM_001354689.3); c.1666C>A, p.Gln556Lys (NM_001354690.3); c.1423C>A, p.Gln475Lys (NM_001354691.3, NM_001354692.3); c.1567C>A, p.Gln523Lys (NM_001354693.3); c.1483C>A, p.Gln495Lys (NM_001354694.3); c.1324C>A, p.Gln442Lys (NM_001354695.3); short protein forms Q475K, Q523K, Q442K, Q495K, Q576K, Q556K.
Identifiers: ClinVar variation 3671927 (VCV003671927.3).